The following is an entry in ClinVar:

NM_024105.4(ALG12):c.740C>T (p.Thr247Ile)

Gene: ALG12 (ALG12 alpha-1,6-mannosyltransferase; minus strand). Cytogenetic location: 22q13.33.
Variant type: single nucleotide variant.
Coding change: c.740C>T on transcript NM_024105.4 (MANE Select); coding-DNA position 740, C replaced by T.
Protein change: p.Thr247Ile; replaces threonine 247 with isoleucine.
Molecular consequence: missense variant.
Genome position (GRCh38, 1-based): chr22:49,909,272, G>A on the plus strand (C>T on the coding strand, the complement: ALG12 is on the minus strand). VCF-style: chr22-49909272-G-A. GRCh37 (hg19) VCF-style: chr22-50302920-G-A.
Other names: short protein forms T247I.
Identifiers: ClinVar variation 1346713 (VCV001346713.6), dbSNP rs1183282596, ClinGen allele CA412074555.
Genomic context (GRCh38, chr22:49,909,272, plus strand): 5'-CATCGCCCTCCTGCACGGACACTGAAGGATACCCCCCAGTTGGAGCTTTTGTTCAGGACA[G>A]TGTTGTACCAAAGCACCTTTCCTTCCGGCCAAGTGAGCTGCCGCCAAAAATAAGAGTCCA-3'
Protein context (NP_077010.1, residues 237-257): WPEGKVLWYN[Thr247Ile]VLNKSSNWGT

ClinVar aggregate classification (germline): Uncertain significance (1 of 4 stars; one submission).

Conditions:
ALG12-congenital disorder of glycosylation (CDG1G). Also called: Congenital disorder of glycosylation, type Ig; ALG12-CDG; CDG Ig. Identifiers: Orphanet 79324, MedGen C2931001, MONDO:0011783, OMIM 607143.

Submission:

Labcorp Genetics (formerly Invitae), Labcorp
Classification: Uncertain significance for ALG12-congenital disorder of glycosylation. Last evaluated: 2021-11-16. Review status: criteria provided, single submitter. Criteria: Invitae Variant Classification Sherloc (09022015). Collection method: clinical testing. Allele origin: germline.
Comment: Algorithms developed to predict the effect of missense changes on protein structure and function (SIFT, PolyPhen-2, Align-GVGD) all suggest that this variant is likely to be tolerated. This variant has not been reported in the literature in individuals affected with ALG12-related conditions. This variant is not present in population databases (gnomAD no frequency). This sequence change replaces threonine, which is neutral and polar, with isoleucine, which is neutral and non-polar, at codon 247 of the ALG12 protein (p.Thr247Ile). In summary, the available evidence is currently insufficient to determine the role of this variant in disease. Therefore, it has been classified as a Variant of Uncertain Significance.